The following is an entry in ClinVar:

NM_001211.6(BUB1B):c.862T>C (p.Ser288Pro)

Gene: BUB1B (BUB1 mitotic checkpoint serine/threonine kinase B; plus strand). Cytogenetic location: 15q15.1.
Variant type: single nucleotide variant.
Coding change: c.862T>C on transcript NM_001211.6 (MANE Select); coding-DNA position 862, T replaced by C.
Protein change: p.Ser288Pro; replaces serine 288 with proline.
Molecular consequence: missense variant.
Genome position (GRCh38, 1-based): chr15:40,185,275, T>C. VCF-style: chr15-40185275-T-C. GRCh37 (hg19) VCF-style: chr15-40477476-T-C.
Other names: c.862T>C (NM_001211.5); short protein forms S288P.
Identifiers: ClinVar variation 1413637 (VCV001413637.7), dbSNP rs763386438, ClinGen allele CA7475581.
Genomic context (GRCh38, chr15:40,185,275, plus strand): 5'-AATAATAGTAGAATTACTGTTTTTGATGAAAATGCTGATGAGGCTTCTACAGCAGAGTTG[T>C]CTAAGCCTACAGTCCAGCCATGGATAGCACCCCCCATGCCCAGGGCCAAAGAGAATGAGC-3'
Protein context (NP_001202.5, residues 278-298): NADEASTAEL[Ser288Pro]KPTVQPWIAP

ClinVar aggregate classification (germline): Uncertain significance. Review status: criteria provided, multiple submitters, no conflicts (2 of 4 stars). 2 submissions from 2 submitters: Uncertain significance (2). Last evaluated 2024-09-24.

Conditions:
Mosaic variegated aneuploidy syndrome 1 (MVA1). Also called: Warburton-Anyane-Yeboa syndrome. Identifiers: Orphanet 1052, MedGen C1850343, MONDO:0009759, OMIM 257300.
Inborn genetic diseases. Identifiers: MedGen C0950123, MeSH D030342.

Allele frequency attached by ClinVar (database versions not stated): gnomAD exomes below 0.00001; ExAC 0.00001.
gnomAD v4.1: 1 of 1,614,168 alleles (0.000062%); highest among the groups gnomAD compares: Non-Finnish European, 0.000085%; no homozygotes.

Submissions (2):

Ambry Genetics
Classification: Uncertain significance for Inborn genetic diseases. Last evaluated: 2024-09-24. Review status: criteria provided, single submitter. Criteria: Ambry Variant Classification Scheme 2023. Collection method: clinical testing. Allele origin: germline.
Comment: The p.S288P variant (also known as c.862T>C), located in coding exon 7 of the BUB1B gene, results from a T to C substitution at nucleotide position 862. The serine at codon 288 is replaced by proline, an amino acid with similar properties. This amino acid position is conserved. In addition, this alteration is predicted to be tolerated by in silico analysis. Based on the available evidence, the clinical significance of this variant remains unclear.

Labcorp Genetics (formerly Invitae), Labcorp
Classification: Uncertain significance for Mosaic variegated aneuploidy syndrome 1. Last evaluated: 2021-08-27. Review status: criteria provided, single submitter. Criteria: Invitae Variant Classification Sherloc (09022015). Collection method: clinical testing. Allele origin: germline.
Comment: In summary, the available evidence is currently insufficient to determine the role of this variant in disease. Therefore, it has been classified as a Variant of Uncertain Significance. Algorithms developed to predict the effect of missense changes on protein structure and function output the following: SIFT: "Tolerated"; PolyPhen-2: "Benign"; Align-GVGD: "Class C0". The proline amino acid residue is found in multiple mammalian species, which suggests that this missense change does not adversely affect protein function. This variant has not been reported in the literature in individuals affected with BUB1B-related conditions. This variant is present in population databases (rs763386438, ExAC 0.001%). This sequence change replaces serine with proline at codon 288 of the BUB1B protein (p.Ser288Pro). The serine residue is weakly conserved and there is a moderate physicochemical difference between serine and proline.